The following is an entry in ClinVar:

ClinVar aggregate classification (germline): Uncertain significance. Review status: criteria provided, multiple submitters, no conflicts (2 of 4 stars). 2 submissions from 2 submitters: Uncertain significance (2). Last evaluated 2024-12-02.

Conditions:
Early-infantile DEE. Also called: Early infantile epileptic encephalopathy with suppression bursts; Early infantile epileptic encephalopathy; Ohtahara syndrome. Identifiers: Orphanet 1934, MedGen C0393706, MONDO:0800491.

Allele frequency attached by ClinVar (database versions not stated): TOPMed below 0.00001; gnomAD 0.00001.
gnomAD v4.1: 2 of 1,613,988 alleles (0.00012%); highest among the groups gnomAD compares: African/African-American, 0.0027%; no homozygotes.

Submissions (2):

GeneDx
Classification: Uncertain significance. Last evaluated: 2024-12-02. Review status: criteria provided, single submitter. Criteria: GeneDx Variant Classification Process June 2021. Collection method: clinical testing. Allele origin: germline. Affected: yes.
Comment: In silico analysis indicates that this missense variant does not alter protein structure/function; Has not been previously published as pathogenic or benign to our knowledge

Labcorp Genetics (formerly Invitae), Labcorp
Classification: Uncertain significance for Early-infantile DEE. Last evaluated: 2024-01-17. Review status: criteria provided, single submitter. Criteria: Invitae Variant Classification Sherloc (09022015). Collection method: clinical testing. Allele origin: germline.
Comment: This sequence change replaces alanine, which is neutral and non-polar, with valine, which is neutral and non-polar, at codon 887 of the HCN1 protein (p.Ala887Val). This variant is present in population databases (no rsID available, gnomAD 0.02%). This variant has not been reported in the literature in individuals affected with HCN1-related conditions. Advanced modeling of protein sequence and biophysical properties (such as structural, functional, and spatial information, amino acid conservation, physicochemical variation, residue mobility, and thermodynamic stability) performed at Invitae indicates that this missense variant is not expected to disrupt HCN1 protein function with a negative predictive value of 95%. In summary, the available evidence is currently insufficient to determine the role of this variant in disease. Therefore, it has been classified as a Variant of Uncertain Significance.

NM_021072.4(HCN1):c.2660C>T (p.Ala887Val)

Gene: HCN1 (hyperpolarization activated cyclic nucleotide gated potassium channel 1; minus strand). Cytogenetic location: 5p12.
Variant type: single nucleotide variant.
Coding change: c.2660C>T on transcript NM_021072.4 (MANE Select); coding-DNA position 2660, C replaced by T.
Protein change: p.Ala887Val; replaces alanine 887 with valine.
Molecular consequence: missense variant.
Genome position (GRCh38, 1-based): chr5:45,261,934, G>A on the plus strand (C>T on the coding strand, the complement: HCN1 is on the minus strand). VCF-style: chr5-45261934-G-A. GRCh37 (hg19) VCF-style: chr5-45262036-G-A.
Other names: c.2660C>T (NM_021072.3); short protein forms A887V.
Identifiers: ClinVar variation 2709827 (VCV002709827.4), dbSNP rs1283434459, ClinGen allele CA359702904.
Genomic context (GRCh38, chr5:45,261,934, plus strand): 5'-TCTCAGTTTATGAGAGTATTTCTTTCTGCTTTGACAATCAGCAGGGATCATAAATTTGAA[G>A]CAAATCGTGGCTTTTCTGCGTCTGGGTCTGTGTTTAAGACTGAGGAAGATTCTCTTGGAA-3'
Protein context (NP_066550.2, residues 877-890): TDPDAEKPRF[Ala887Val]SNL